The following is an entry in ClinVar:

NM_000719.7(CACNA1C):c.5525A>C (p.Asn1842Thr)

Genes: CACNA1C (calcium voltage-gated channel subunit alpha1 C; plus strand), CACNA1C-AS1 (CACNA1C antisense RNA 1; minus strand). Cytogenetic location: 12p13.33.
Variant type: single nucleotide variant.
Coding change: c.5525A>C on transcript NM_000719.7 (MANE Select); coding-DNA position 5525, A replaced by C.
Protein change: p.Asn1842Thr; replaces asparagine 1842 with threonine.
Molecular consequence: missense variant.
Genome position (GRCh38, 1-based): chr12:2,682,630, A>C. VCF-style: chr12-2682630-A-C. GRCh37 (hg19) VCF-style: chr12-2791796-A-C.
Other names: c.5669A>C, p.Asn1890Thr (NM_001129827.2); c.5648A>C, p.Asn1883Thr (NM_001129829.2); c.5630A>C, p.Asn1877Thr (NM_001129830.3, NM_001167624.3); c.5609A>C, p.Asn1870Thr (NM_001129831.2); c.5585A>C, p.Asn1862Thr (NM_001129832.2); c.5582A>C, p.Asn1861Thr (NM_001129833.2, NM_001129834.2, NM_001129835.2); c.5576A>C, p.Asn1859Thr (NM_001129836.2); c.5549A>C, p.Asn1850Thr (NM_001129837.2, NM_001129838.2); and 6 more; short protein forms N1877T, N1890T, N1842T, N1831T, N1848T, N1859T, N1862T, N1883T.
Identifiers: ClinVar variation 3010825 (VCV003010825.3), dbSNP rs886049207, ClinGen allele CA10640775.

ClinVar aggregate classification (germline): Uncertain significance (1 of 4 stars; one submission).

Conditions:
Long QT syndrome (LQTS). Identifiers: MedGen C0023976, MeSH D008133, MONDO:0002442. Disease mechanism: loss of function. Inheritance: Various modes of inheritance.

Allele frequency attached by ClinVar (database versions not stated): gnomAD 0.00001; TOPMed 0.00001.
gnomAD v4.1: 1 of 1,612,322 alleles (0.000062%); highest among the groups gnomAD compares: African/African-American, 0.0013%; no homozygotes.

Submission:

Labcorp Genetics (formerly Invitae), Labcorp
Classification: Uncertain significance for Long QT syndrome. Last evaluated: 2025-11-24. Review status: criteria provided, single submitter. Criteria: Invitae Variant Classification Sherloc (09022015). Collection method: clinical testing. Allele origin: germline.
Comment: This sequence change replaces asparagine, which is neutral and polar, with threonine, which is neutral and polar, at codon 1842 of the CACNA1C protein (p.Asn1842Thr). This variant is not present in population databases (gnomAD no frequency). This variant has not been reported in the literature in individuals affected with CACNA1C-related conditions. ClinVar contains an entry for this variant (Variation ID: 3010825). Invitae Evidence Modeling of protein sequence and biophysical properties (such as structural, functional, and spatial information, amino acid conservation, physicochemical variation, residue mobility, and thermodynamic stability) indicates that this missense variant is not expected to disrupt CACNA1C protein function with a negative predictive value of 95%. In summary, the available evidence is currently insufficient to determine the role of this variant in disease. Therefore, it has been classified as a Variant of Uncertain Significance.